The following is an entry in ClinVar:

NM_002103.5(GYS1):c.1559C>T (p.Thr520Met)

Genes: GYS1 (glycogen synthase 1; minus strand), LOC119369037 (CRISPRi-FlowFISH-validated FTL regulatory element 4; plus strand). Cytogenetic location: 19q13.33.
Variant type: single nucleotide variant.
Coding change: c.1559C>T on transcript NM_002103.5 (MANE Select); coding-DNA position 1559, C replaced by T.
Protein change: p.Thr520Met; replaces threonine 520 with methionine.
Molecular consequence: missense variant. On other transcripts: non-coding transcript variant (1).
Genome position (GRCh38, 1-based): chr19:48,971,014, G>A on the plus strand (C>T on the coding strand, the complement: GYS1 is on the minus strand). VCF-style: chr19-48971014-G-A. GRCh37 (hg19) VCF-style: chr19-49474271-G-A.
Other names: c.1367C>T, p.Thr456Met (NM_001161587.2); c.1559C>T (NM_002103.4); short protein forms T456M, T520M.
Identifiers: ClinVar variation 1026554 (VCV001026554.6), dbSNP rs747911098, ClinGen allele CA9562901.

ClinVar aggregate classification (germline): Uncertain significance. Review status: criteria provided, multiple submitters, no conflicts (2 of 4 stars). 3 submissions from 3 submitters: Uncertain significance (3). Last evaluated 2024-08-13.

Conditions:
Inborn genetic diseases. Identifiers: MedGen C0950123, MeSH D030342.
Glycogen storage disease due to muscle and heart glycogen synthase deficiency. Also called: GSD 0b; MUSCLE GLYCOGEN SYNTHASE DEFICIENCY. Identifiers: Orphanet 137625, MedGen C1969054, MONDO:0012693, OMIM 611556.

Allele frequency attached by ClinVar (database versions not stated): gnomAD 0.00001 and 0.00002; TOPMed 0.00002; ExAC 0.00004; gnomAD exomes 0.00004.
gnomAD v4.1: 66 of 1,612,360 alleles (0.0041%); highest among the groups gnomAD compares: Middle Eastern, 0.049%; no homozygotes.

Submissions (3):

Blueprint Genetics
Classification: Uncertain significance. Last evaluated: 2024-08-13. Review status: criteria provided, single submitter. Criteria: ACMG Guidelines, 2015. Collection method: clinical testing. Allele origin: germline.

Ambry Genetics
Classification: Uncertain significance for Inborn genetic diseases. Last evaluated: 2023-06-05. Review status: criteria provided, single submitter. Criteria: Ambry Variant Classification Scheme 2023. Collection method: clinical testing. Allele origin: germline.

Labcorp Genetics (formerly Invitae), Labcorp
Classification: Uncertain significance for Glycogen storage disease due to muscle and heart glycogen synthase deficiency. Last evaluated: 2022-06-14. Review status: criteria provided, single submitter. Criteria: Invitae Variant Classification Sherloc (09022015). Collection method: clinical testing. Allele origin: germline.
Comment: This sequence change replaces threonine, which is neutral and polar, with methionine, which is neutral and non-polar, at codon 520 of the GYS1 protein (p.Thr520Met). This variant is present in population databases (rs747911098, gnomAD 0.007%). This variant has not been reported in the literature in individuals affected with GYS1-related conditions. ClinVar contains an entry for this variant (Variation ID: 1026554). Algorithms developed to predict the effect of missense changes on protein structure and function (SIFT, PolyPhen-2, Align-GVGD) all suggest that this variant is likely to be disruptive. In summary, the available evidence is currently insufficient to determine the role of this variant in disease. Therefore, it has been classified as a Variant of Uncertain Significance.